The following is an entry in ClinVar:

NM_007194.4(CHEK2):c.421A>G (p.Lys141Glu)

Gene: CHEK2 (checkpoint kinase 2; minus strand). Cytogenetic location: 22q12.1.
Variant type: single nucleotide variant.
Coding change: c.421A>G on transcript NM_007194.4 (MANE Select); coding-DNA position 421, A replaced by G.
Protein change: p.Lys141Glu; replaces lysine 141 with glutamic acid.
Molecular consequence: missense variant.
Genome position (GRCh38, 1-based): chr22:28,725,266, T>C on the plus strand (A>G on the coding strand, the complement: CHEK2 is on the minus strand). VCF-style: chr22-28725266-T-C. GRCh37 (hg19) VCF-style: chr22-29121254-T-C.
Other names: c.550A>G, p.Lys184Glu (NM_001005735.3); c.-357A>G (NM_001257387.3); c.421A>G, p.Lys141Glu (NM_001349956.3, NM_145862.3); short protein forms K141E, K184E.
Identifiers: ClinVar variation 1379384 (VCV001379384.10), dbSNP rs2146067437, ClinGen allele CA411107940.

ClinVar aggregate classification (germline): Uncertain significance. Review status: criteria provided, multiple submitters, no conflicts (2 of 4 stars). 2 submissions from 2 submitters: Uncertain significance (2). Last evaluated 2024-04-10.

Conditions:
Hereditary cancer-predisposing syndrome. Also called: Neoplastic Syndromes, Hereditary; Hereditary Cancer Syndrome; Tumor predisposition; Hereditary neoplastic syndrome. Identifiers: Orphanet 140162, MedGen C0027672, MeSH D009386, MONDO:0015356.
Familial cancer of breast. Also called: Hereditary breast cancer; BREAST CANCER, FAMILIAL; hereditary breast carcinoma. Identifiers: Orphanet 227535, MedGen C0346153, MONDO:0016419, OMIM 114480. Disease mechanism: loss of function.

Submissions (2):

Labcorp Genetics (formerly Invitae), Labcorp
Classification: Uncertain significance for Familial cancer of breast. Last evaluated: 2024-04-10. Review status: criteria provided, single submitter. Criteria: Invitae Variant Classification Sherloc (09022015). Collection method: clinical testing. Allele origin: germline.
Comment: This sequence change replaces lysine, which is basic and polar, with glutamic acid, which is acidic and polar, at codon 141 of the CHEK2 protein (p.Lys141Glu). This variant is not present in population databases (gnomAD no frequency). This variant has not been reported in the literature in individuals affected with CHEK2-related conditions. ClinVar contains an entry for this variant (Variation ID: 1379384). An algorithm developed to predict the effect of missense changes on protein structure and function (PolyPhen-2) suggests that this variant is likely to be disruptive. In summary, the available evidence is currently insufficient to determine the role of this variant in disease. Therefore, it has been classified as a Variant of Uncertain Significance.

Ambry Genetics
Classification: Uncertain significance for Hereditary cancer-predisposing syndrome. Last evaluated: 2024-03-19. Review status: criteria provided, single submitter. Criteria: Ambry Variant Classification Scheme 2023. Collection method: clinical testing. Allele origin: germline.
Comment: The p.K141E variant (also known as c.421A>G), located in coding exon 2 of the CHEK2 gene, results from an A to G substitution at nucleotide position 421. The lysine at codon 141 is replaced by glutamic acid, an amino acid with similar properties. This amino acid position is conserved. In addition, this alteration is predicted to be deleterious by in silico analysis. Based on the available evidence, the clinical significance of this alteration remains unclear.